The following is an entry in ClinVar:

NM_001170629.2(CHD8):c.28G>T (p.Asp10Tyr)

Gene: CHD8 (chromodomain helicase DNA binding protein 8; minus strand). Cytogenetic location: 14q11.2.
Variant type: single nucleotide variant.
Coding change: c.28G>T on transcript NM_001170629.2 (MANE Select); coding-DNA position 28, G replaced by T.
Protein change: p.Asp10Tyr; replaces aspartic acid 10 with tyrosine.
Molecular consequence: missense variant. On other transcripts: intron variant (1).
Genome position (GRCh38, 1-based): chr14:21,431,616, C>A on the plus strand (G>T on the coding strand, the complement: CHD8 is on the minus strand). VCF-style: chr14-21431616-C-A. GRCh37 (hg19) VCF-style: chr14-21899775-C-A.
Other names: c.6+195G>T (NM_020920.4); short protein forms D10Y.
Identifiers: ClinVar variation 589695 (VCV000589695.6), dbSNP rs767231058, ClinGen allele CA7091987.

ClinVar aggregate classification (germline): Uncertain significance. Review status: criteria provided, multiple submitters, no conflicts (2 of 4 stars). 2 submissions from 2 submitters: Uncertain significance (2). Last evaluated 2026-03-23.

Conditions:
Inborn genetic diseases. Identifiers: MedGen C0950123, MeSH D030342.

Allele frequency attached by ClinVar (database versions not stated): ExAC below 0.00001.
gnomAD v4.1: 4 of 1,537,940 alleles (0.00026%); highest among the groups gnomAD compares: Non-Finnish European, 0.00035%; no homozygotes.

Submissions (2):

GeneDx
Classification: Uncertain significance. Last evaluated: 2026-03-23. Review status: criteria provided, single submitter. Criteria: GeneDx Variant Classification Process June 2021. Collection method: clinical testing. Allele origin: germline.
Comment: Not observed at significant frequency in large population cohorts (gnomAD); In silico analysis supports that this missense variant has a deleterious effect on protein structure/function; Has not been previously published as pathogenic or benign to our knowledge

Ambry Genetics
Classification: Uncertain significance for Inborn genetic diseases. Last evaluated: 2016-08-29. Review status: criteria provided, single submitter. Criteria: Ambry Variant Classification Scheme 2023. Collection method: clinical testing. Allele origin: germline.
Comment: The p.D10Y variant (also known as c.28G>T), located in coding exon 1 of the CHD8 gene, results from a G to T substitution at nucleotide position 28. The aspartic acid at codon 10 is replaced by tyrosine, an amino acid with highly dissimilar properties. This variant was not reported in population based cohorts in the following databases: Database of Single Nucleotide Polymorphisms (dbSNP), NHLBI Exome Sequencing Project (ESP), and 1000 Genomes Project. In the ESP, this variant was not observed in 2283 samples (4566 alleles) with coverage at this position. This amino acid position is well conserved in available vertebrate species. In addition, the in silico prediction for this alteration is inconclusive. Since supporting evidence is limited at this time, the clinical significance of this alteration remains unclear.